The following is an entry in ClinVar:

NM_000260.4(MYO7A):c.5692A>G (p.Lys1898Glu)

Gene: MYO7A (myosin VIIA; plus strand). Cytogenetic location: 11q13.5.
Variant type: single nucleotide variant.
Coding change: c.5692A>G on transcript NM_000260.4 (MANE Select); coding-DNA position 5692, A replaced by G.
Protein change: p.Lys1898Glu; replaces lysine 1898 with glutamic acid.
Molecular consequence: missense variant.
Genome position (GRCh38, 1-based): chr11:77,206,152, A>G. VCF-style: chr11-77206152-A-G. GRCh37 (hg19) VCF-style: chr11-76917197-A-G.
Other names: c.5578A>G, p.Lys1860Glu (NM_001127180.2); c.5545A>G, p.Lys1849Glu (NM_001369365.1); short protein forms K1849E, K1860E, K1898E.
Identifiers: ClinVar variation 1721077 (VCV001721077.3), dbSNP rs1957433793, ClinGen allele CA381953279.

ClinVar aggregate classification (germline): Uncertain significance (1 of 4 stars; one submission).

Allele frequency attached by ClinVar (database versions not stated): gnomAD 0.00001; TOPMed 0.00001.
gnomAD v4.1: 2 of 1,613,436 alleles (0.00012%); highest among the groups gnomAD compares: Non-Finnish European, 0.00017%; no homozygotes.

Submission:

Labcorp Genetics (formerly Invitae), Labcorp
Classification: Uncertain significance. Last evaluated: 2022-07-20. Review status: criteria provided, single submitter. Criteria: Invitae Variant Classification Sherloc (09022015). Collection method: clinical testing. Allele origin: germline.
Comment: This sequence change replaces lysine, which is basic and polar, with glutamic acid, which is acidic and polar, at codon 1898 of the MYO7A protein (p.Lys1898Glu). This variant is not present in population databases (gnomAD no frequency). This variant has not been reported in the literature in individuals affected with MYO7A-related conditions. Advanced modeling of protein sequence and biophysical properties (such as structural, functional, and spatial information, amino acid conservation, physicochemical variation, residue mobility, and thermodynamic stability) performed at Invitae indicates that this missense variant is not expected to disrupt MYO7A protein function. In summary, the available evidence is currently insufficient to determine the role of this variant in disease. Therefore, it has been classified as a Variant of Uncertain Significance.